The following is an entry in ClinVar:

NM_001142800.2(EYS):c.8133_8137del (p.Phe2712fs)

Gene: EYS (EGF-like photoreceptor maintenance factor; minus strand). Cytogenetic location: 6q12.
Variant type: Deletion.
Coding change: c.8133_8137del on transcript NM_001142800.2 (MANE Select); coding-DNA positions 8133 to 8137, 5 bases deleted (CTTTC; older notation c.8133_8137delCTTTC).
Protein change: p.Phe2712fs; shifts the reading frame from phenylalanine 2712.
Molecular consequence: frameshift variant.
Genome position (GRCh38, 1-based): chr6:63,726,615-63,726,619, GAAAG deleted on the plus strand (CTTTC on the coding strand, the reverse complement: EYS is on the minus strand); deleting any 5 consecutive bases within chr6:63,726,615-63,726,622 gives the same sequence; the c. name uses the placement nearest the transcript's 3' end. VCF-style (leftmost placement, unchanged base first): chr6-63726614-TGAAAG-T. GRCh37 (hg19) VCF-style: chr6-64436507-TGAAAG-T.
Other names: c.8133_8137delCTTTC (NM_001142800.2, NM_001142800.1); c.8133_8137del (NM_001142800.1); c.8196_8200delCTTTC (NM_001292009.2); c.8196_8200del, p.Phe2733fs (NM_001292009.2); short protein forms F2712fs, F2733fs.
Identifiers: ClinVar variation 558163 (VCV000558163.29), dbSNP rs751629543, ClinGen allele CA3876731.

ClinVar aggregate classification (germline): Pathogenic. Review status: criteria provided, multiple submitters, no conflicts (2 of 4 stars). 14 submissions from 14 submitters: Pathogenic (13). 1 of the submissions does not count toward it. Last evaluated 2026-01-29.

Conditions:
Retinitis pigmentosa 25 (RP25). Identifiers: Orphanet 791, MedGen C1864446, MONDO:0011272, OMIM 602772.
Retinal dystrophy. Also called: Inherited retinal dystrophy. Identifiers: Orphanet 71862, MedGen C0854723, MeSH D058499, MONDO:0019118, HP:0000556.
EYS-related disorder. Also called: EYS-related condition.

Submissions (14):

Labcorp Genetics (formerly Invitae), Labcorp
Classification: Pathogenic. Last evaluated: 2026-01-29. Review status: criteria provided, single submitter. Criteria: Invitae Variant Classification Sherloc (09022015). Collection method: clinical testing. Allele origin: germline.
Comment: This sequence change creates a premature translational stop signal (p.Phe2712Cysfs*33) in the EYS gene. While this is not anticipated to result in nonsense mediated decay, it is expected to disrupt the last 433 amino acid(s) of the EYS protein. This variant is present in population databases (rs751629543, gnomAD 0.02%). This premature translational stop signal has been observed in individual(s) with retinitis pigmentosa (PMID: 26161267, 30153090). ClinVar contains an entry for this variant (Variation ID: 558163). This variant disrupts a region of the EYS protein in which other variant(s) (p.Thr3038Ilefs*4 and p.Asn3061Thrfs*3) have been determined to be pathogenic (PMID: 20333770, 21069908). This suggests that this is a clinically significant region of the protein, and that variants that disrupt it are likely to be disease-causing. For these reasons, this variant has been classified as Pathogenic.

3billion
Classification: Pathogenic for Retinitis pigmentosa 25. Last evaluated: 2026-01-09. Review status: criteria provided, single submitter. Criteria: ACMG Guidelines, 2015. Collection method: clinical testing. Allele origin: germline. Affected: yes.
Comment: The variant is observed at an extremely low frequency in the gnomAD v4.1.0 dataset (total allele frequency: 0.004%). Predicted Consequence/Location: Frameshift: predicted to result in a loss or disruption of normal protein function through nonsense-mediated decay (NMD) or protein truncation. Multiple pathogenic variants are reported downstream of the variant. The variant has been reported at least twice as pathogenic with clinical assertions and evidence for the classification (ClinVar ID: VCV000558163 /PMID: 26161267 /3billion dataset). Therefore, this variant is classified as Pathogenic according to the recommendation of ACMG/AMP guideline.

Natera, Inc.
Classification: Pathogenic for Retinitis pigmentosa type 25. Last evaluated: 2025-12-09. Review status: criteria provided, single submitter. Criteria: Natera Variant Classification Schema (03/2026). Collection method: clinical testing. Allele origin: germline.
Comment: The c.8133_8137delCTTTC variant in EYS is a frameshift variant predicted to shift the reading frame beginning at codon 2712 and leads to a stop codon 33 codons downstream. This variant is expected to result in nonsense mediated decay, truncation, or a dysfunctional protein product. This variant is rare in the general population with a frequency below the threshold expected for the associated phenotype(s). This variant has been observed in one or more individuals affected with the associated recessive disease, as either homozygous or compound heterozygous with a second variant (PMID: 30153090, 32728228, 36819107). Given the available evidence, this variant is classified as Pathogenic.

Ophthalmology, Kobe City Eye Hospital
Classification: Pathogenic for Retinitis pigmentosa 25. Last evaluated: 2025-11-28. Review status: criteria provided, single submitter. Criteria: Fujinami et al. (Jpn J Ophthalmol. 2024). Collection method: research. Allele origin: germline. Affected: yes. Observed: 1 variant allele.
Comment: This variant was classified according to the ACMG/AMP guidelines. PVS1_Strong: This variant is predicted to result in loss of normal protein function through a null mechanism, and loss of function is an established disease mechanism for EYS-associated retinitis pigmentosa. PMIDs: 18836446, 20333770. PM2_Moderate: This variant is absent or extremely rare in large population databases such as gnomAD, supporting rarity consistent with a recessive disorder. PM3_VeryStrong: This variant has been observed in confirmed trans configuration with a pathogenic EYS variant in an affected individual from our cohort, meeting the ClinGen criteria for upgrading PM3 to Very Strong. PP5_NoInfluence: A reputable source has reported this variant as pathogenic; however, the underlying evidence is not independently available for review, and according to ACMG/AMP guidelines PP5 does not contribute to the classification and is noted here for completeness only. Based on PVS1_Strong, PM2_Moderate, and PM3_VeryStrong, this variant is classified as pathogenic.

PreventionGenetics, part of Exact Sciences
Classification: Pathogenic for EYS-related condition. Last evaluated: 2025-03-05. Review status: criteria provided, single submitter. Criteria: ACMG Guidelines, 2015. Collection method: clinical testing. Allele origin: germline.
Comment: The EYS c.8133_8137del5 variant is predicted to result in a frameshift and premature protein termination (p.Phe2712Cysfs*33). This variant has been reported in multiple individual with EYS-related conditions (for example, Table S1, Lin et al. 2024. PubMed ID: 38219857; Table S4, Panneman et al. 2023. PubMed ID: 36819107; Mucciolo et al. 2018. PubMed ID: 30153090). This variant is reported in 0.022% of alleles in individuals of South Asian descent in gnomAD. Frameshift variants in EYS are expected to be pathogenic. This variant is interpreted as pathogenic.

Fulgent Genetics
Classification: Pathogenic for Retinitis pigmentosa 25. Last evaluated: 2024-02-23. Review status: criteria provided, single submitter. Criteria: ACMG Guidelines, 2015. Collection method: clinical testing. Allele origin: germline.

Baylor Genetics
Classification: Pathogenic for Retinitis pigmentosa 25. Last evaluated: 2024-02-22. Review status: criteria provided, single submitter. Criteria: ACMG Guidelines, 2015. Collection method: clinical testing. Allele origin: unknown.

Dept Of Ophthalmology, Nagoya University
Classification: Pathogenic for Retinal dystrophy. Last evaluated: 2023-10-01. Review status: criteria provided, single submitter. Criteria: Submitter's publication. Collection method: research. Allele origin: germline. Affected: yes.

Blueprint Genetics
Classification: Pathogenic for EYS-related disorders. Last evaluated: 2023-09-13. Review status: criteria provided, single submitter. Criteria: ACMG Guidelines, 2015. Collection method: clinical testing. Allele origin: germline. Affected: yes. Observed: 5 variant alleles.

Ocular Genomics Institute, Massachusetts Eye and Ear
Classification: Pathogenic for Retinitis pigmentosa 25. Last evaluated: 2021-04-08. Review status: criteria provided, single submitter. Criteria: ACMG Guidelines, 2015. Collection method: research. Allele origin: germline. Affected: yes.
Comment: Through a review of available evidence we were able to apply the following criteria: PVS1, PM2, PM3. Based on this evidence we have classified this variant as Pathogenic.

Centre for Genomic Medicine, Manchester, Central Manchester University Hospitals
Classification: Pathogenic for Retinitis pigmentosa 25. Last evaluated: 2019-02-01. Review status: criteria provided, single submitter. Criteria: ACMG Guidelines, 2015. Collection method: clinical testing. Allele origin: germline. Affected: yes. Observed: 1 variant allele, 1 compound heterozygote.

ARUP Laboratories, Molecular Genetics and Genomics, ARUP Laboratories
Classification: Pathogenic for Retinitis pigmentosa 25. Last evaluated: 2018-11-12. Review status: criteria provided, single submitter. Criteria: ARUP Molecular Germline Variant Investigation Process. Collection method: clinical testing. Allele origin: germline.
Comment: The EYS c.8133_8137delCTTTC; p.Phe2712fs variant (rs751629543), also known as c.8196_8200delCTTTC p.F2733Cfs*33 based on NM_001292009.1, is published in the medical literature in a family with autosomal recessive retinitis pigmentosa (Arai 2015). The variant is listed in the ClinVar database (Variation ID: 558163) and in the general population with an allele frequency of 0.006% (9/148188 alleles) in the Genome Aggregation Database. This variant causes a frameshift by deleting 5 nucleotides so it is predicted to result in a truncated protein or mRNA subject to nonsense-mediated decay. Additionally, this variant is predicted to cause loss of a critical functional domain (Hosono 2012). Considering available information, this variant is predicted to be pathogenic. References: Arai Y et al. Retinitis Pigmentosa with EYS Mutations Is the Most Prevalent Inherited Retinal Dystrophy in Japanese Populations. J Ophthalmol. 2015;2015:819760 Hosono K et al. Two novel mutations in the EYS gene are possible major causes of autosomal recessive retinitis pigmentosa in the Japanese population. PLoS One. 2012;7(2):e31036

Kariminejad - Najmabadi Pathology & Genetics Center
Classification: Pathogenic for Retinitis pigmentosa 25. Review status: criteria provided, single submitter. Criteria: ACMG Guidelines, 2015. Collection method: clinical testing. Allele origin: germline. Affected: no.

Counsyl
Classification: Likely pathogenic for Retinitis pigmentosa 25. Last evaluated: 2018-05-02. Review status: no assertion criteria provided. Collection method: clinical testing. Allele origin: unknown. Not counted in ClinVar's aggregate classification.

Literature cited by the submitters: PubMed 26161267 (cited by 4 submitters); PubMed 30153090 (cited by 3 submitters); PubMed 20333770 (cited by Labcorp Genetics (formerly Invitae), Labcorp); PubMed 21069908 (cited by Labcorp Genetics (formerly Invitae), Labcorp and Ocular Genomics Institute, Massachusetts Eye and Ear); PubMed 32728228 (cited by Natera, Inc.); PubMed 36819107 (cited by Natera, Inc.); 18836446, 20333770 (cited by Ophthalmology, Kobe City Eye Hospital); PubMed 20333771 (cited by Ocular Genomics Institute, Massachusetts Eye and Ear).